The following is an entry in ClinVar:

NM_001128840.3(CACNA1D):c.6334C>T (p.Arg2112Cys)

Gene: CACNA1D (calcium voltage-gated channel subunit alpha1 D; plus strand). Cytogenetic location: 3p21.1.
Variant type: single nucleotide variant.
Coding change: c.6334C>T on transcript NM_001128840.3 (MANE Select); coding-DNA position 6334, C replaced by T.
Protein change: p.Arg2112Cys; replaces arginine 2112 with cysteine.
Molecular consequence: missense variant.
Genome position (GRCh38, 1-based): chr3:53,811,254, C>T. VCF-style: chr3-53811254-C-T. GRCh37 (hg19) VCF-style: chr3-53845281-C-T.
Other names: c.6394C>T, p.Arg2132Cys (NM_000720.4); c.6262C>T, p.Arg2088Cys (NM_001128839.3); c.6394C>T (NM_000720.2); short protein forms R2132C, R2112C, R2088C.
Identifiers: ClinVar variation 290392 (VCV000290392.12), dbSNP rs886044438, ClinGen allele CA10606759.

ClinVar aggregate classification (germline): Conflicting classifications of pathogenicity. Review status: criteria provided, conflicting classifications (1 of 4 stars). 4 submissions from 4 submitters: Uncertain significance (3); Likely benign (1). Last evaluated 2025-09-23.

Conditions:
Inborn genetic diseases. Identifiers: MedGen C0950123, MeSH D030342.

Allele frequency attached by ClinVar (database versions not stated): gnomAD 0.00001; gnomAD exomes 0.00001 and 0.00002; TOPMed 0.00004.
gnomAD v4.1: 34 of 1,613,834 alleles (0.0021%); highest among the groups gnomAD compares: Non-Finnish European, 0.0025%; no homozygotes.

Submissions (4):

Labcorp Genetics (formerly Invitae), Labcorp
Classification: Uncertain significance. Last evaluated: 2025-09-23. Review status: criteria provided, single submitter. Criteria: Invitae Variant Classification Sherloc (09022015). Collection method: clinical testing. Allele origin: germline.
Comment: This sequence change replaces arginine, which is basic and polar, with cysteine, which is neutral and slightly polar, at codon 2132 of the CACNA1D protein (p.Arg2132Cys). The frequency data for this variant in the population databases is considered unreliable, as metrics indicate poor data quality at this position in the gnomAD database. This variant has not been reported in the literature in individuals affected with CACNA1D-related conditions. ClinVar contains an entry for this variant (Variation ID: 290392). An algorithm developed to predict the effect of missense changes on protein structure and function outputs the following: PolyPhen-2: "Benign". The cysteine amino acid residue is found in multiple mammalian species, which suggests that this missense change does not adversely affect protein function. In summary, the available evidence is currently insufficient to determine the role of this variant in disease. Therefore, it has been classified as a Variant of Uncertain Significance.

ARUP Laboratories, Molecular Genetics and Genomics, ARUP Laboratories
Classification: Uncertain significance. Last evaluated: 2023-12-22. Review status: criteria provided, single submitter. Criteria: ARUP Molecular Germline Variant Investigation Process 2024. Collection method: clinical testing. Allele origin: germline.

Ambry Genetics
Classification: Likely benign for Inborn genetic diseases. Last evaluated: 2021-09-22. Review status: criteria provided, single submitter. Criteria: Ambry Variant Classification Scheme 2023. Collection method: clinical testing. Allele origin: germline.

Eurofins Ntd Llc (ga)
Classification: Uncertain significance. Last evaluated: 2016-08-19. Review status: criteria provided, single submitter. Criteria: EGL Classification Definitions 2015. Collection method: clinical testing. Allele origin: germline. Observed: 1 variant allele, 1 heterozygote.